The following is an entry in ClinVar:

NM_001128225.3(SLC39A13):c.812G>C (p.Arg271Pro)

Gene: SLC39A13 (solute carrier family 39 member 13; plus strand). Cytogenetic location: 11p11.2.
Variant type: single nucleotide variant.
Coding change: c.812G>C on transcript NM_001128225.3 (MANE Select); coding-DNA position 812, G replaced by C.
Protein change: p.Arg271Pro; replaces arginine 271 with proline.
Molecular consequence: missense variant. On other transcripts: non-coding transcript variant (1).
Genome position (GRCh38, 1-based): chr11:47,414,802, G>C. VCF-style: chr11-47414802-G-C. GRCh37 (hg19) VCF-style: chr11-47436353-G-C.
Other names: c.812G>C, p.Arg271Pro (NM_001330245.2, NM_152264.5); short protein forms R271P.
Identifiers: ClinVar variation 1467853 (VCV001467853.8), dbSNP rs376883075, ClinGen allele CA380314149.
Genomic context (GRCh38, chr11:47,414,802, plus strand): 5'-TGGGGCGCAGGGTGAACCTCTGGACCTCCCTTCAGGTGGGCGACTTTGCCATCCTGCTCC[G>C]GGCCGGCTTTGACCGATGGAGCGCAGCCAAGCTGCAACTCTCAACAGCGCTGGGGGGCCT-3'
Protein context (NP_001121697.2, residues 261-281): HEVGDFAILL[Arg271Pro]AGFDRWSAAK

ClinVar aggregate classification (germline): Uncertain significance (1 of 4 stars; one submission).

Conditions:
Ehlers-Danlos syndrome, spondylodysplastic type, 3. Also called: Ehlers-Danlos syndrome, spondylocheirodysplastic type. Identifiers: Orphanet 157965, MedGen C2676510, MONDO:0012873, OMIM 612350.

Submission:

Labcorp Genetics (formerly Invitae), Labcorp
Classification: Uncertain significance for Ehlers-Danlos syndrome, spondylodysplastic type, 3. Last evaluated: 2020-11-15. Review status: criteria provided, single submitter. Criteria: Invitae Variant Classification Sherloc (09022015). Collection method: clinical testing. Allele origin: germline.
Comment: In summary, the available evidence is currently insufficient to determine the role of this variant in disease. Therefore, it has been classified as a Variant of Uncertain Significance. Algorithms developed to predict the effect of missense changes on protein structure and function are either unavailable or do not agree on the potential impact of this missense change (SIFT: "Deleterious"; PolyPhen-2: "Probably Damaging"; Align-GVGD: "Class C0"). This variant has not been reported in the literature in individuals with SLC39A13-related conditions. This variant is not present in population databases (ExAC no frequency). This sequence change replaces arginine with proline at codon 271 of the SLC39A13 protein (p.Arg271Pro). The arginine residue is highly conserved and there is a moderate physicochemical difference between arginine and proline.